The following is an entry in ClinVar:

ClinVar aggregate classification (germline): Uncertain significance (1 of 4 stars; one submission).

Conditions:
Inborn genetic diseases. Identifiers: MedGen C0950123, MeSH D030342.

Submission:

Ambry Genetics
Classification: Uncertain significance for Inborn genetic diseases. Last evaluated: 2025-04-03. Review status: criteria provided, single submitter. Criteria: Ambry Variant Classification Scheme 2023. Collection method: clinical testing. Allele origin: germline.
Comment: The p.T201I variant (also known as c.602C>T), located in coding exon 1 of the SAMD9 gene, results from a C to T substitution at nucleotide position 602. The threonine at codon 201 is replaced by isoleucine, an amino acid with similar properties. This amino acid position is conserved. In addition, this alteration is predicted to be tolerated by in silico analysis. Based on the available evidence, the clinical significance of this variant remains unclear.

NM_017654.4(SAMD9):c.602C>T (p.Thr201Ile)

Gene: SAMD9 (sterile alpha motif domain containing 9; minus strand). Cytogenetic location: 7q21.2.
Variant type: single nucleotide variant.
Coding change: c.602C>T on transcript NM_017654.4 (MANE Select); coding-DNA position 602, C replaced by T.
Protein change: p.Thr201Ile; replaces threonine 201 with isoleucine.
Molecular consequence: missense variant.
Genome position (GRCh38, 1-based): chr7:93,105,496, G>A on the plus strand (C>T on the coding strand, the complement: SAMD9 is on the minus strand). VCF-style: chr7-93105496-G-A. GRCh37 (hg19) VCF-style: chr7-92734809-G-A.
Other names: c.602C>T, p.Thr201Ile (NM_001193307.2); short protein forms T201I.
Identifiers: ClinVar variation 3949506 (VCV003949506.1).